The following is an entry in ClinVar:

NM_003072.5(SMARCA4):c.3265C>T (p.Leu1089Phe)

Gene: SMARCA4 (SWI/SNF related BAF chromatin remodeling complex subunit ATPase 4; plus strand). Cytogenetic location: 19p13.2.
Variant type: single nucleotide variant.
Coding change: c.3265C>T on transcript NM_003072.5 (MANE Select); coding-DNA position 3265, C replaced by T.
Protein change: p.Leu1089Phe; replaces leucine 1089 with phenylalanine.
Molecular consequence: missense variant. On other transcripts: non-coding transcript variant (1).
Genome position (GRCh38, 1-based): chr19:11,027,833, C>T. VCF-style: chr19-11027833-C-T. GRCh37 (hg19) VCF-style: chr19-11138509-C-T.
Other names: c.3265C>T, p.Leu1089Phe (NM_001128844.3, NM_001128845.2, NM_001128846.2 and 5 more transcripts); short protein forms L1089F.
Identifiers: ClinVar variation 665338 (VCV000665338.12), dbSNP rs1600335596, ClinGen allele CA404061426.

ClinVar aggregate classification (germline): Uncertain significance. Review status: criteria provided, multiple submitters, no conflicts (2 of 4 stars). 2 submissions from 2 submitters: Uncertain significance (2). Last evaluated 2024-12-18.

Conditions:
Hereditary cancer-predisposing syndrome. Also called: Tumor predisposition; Hereditary neoplastic syndrome; Neoplastic Syndromes, Hereditary; Hereditary Cancer Syndrome. Identifiers: Orphanet 140162, MedGen C0027672, MeSH D009386, MONDO:0015356.
Rhabdoid tumor predisposition syndrome 2 (RTPS2). Identifiers: Orphanet 231108, Orphanet 69077, MedGen C2750074, MONDO:0013224, OMIM 613325.

Allele frequency attached by ClinVar (database versions not stated): gnomAD exomes below 0.00001.
gnomAD v4.1: 1 of 1,614,144 alleles (0.000062%); highest among the groups gnomAD compares: Non-Finnish European, 0.000085%; no homozygotes.

Submissions (2):

Ambry Genetics
Classification: Uncertain significance for Hereditary cancer-predisposing syndrome. Last evaluated: 2024-12-18. Review status: criteria provided, single submitter. Criteria: Ambry Variant Classification Scheme 2023. Collection method: clinical testing. Allele origin: germline.
Comment: The p.L1089F variant (also known as c.3265C>T), located in coding exon 23 of the SMARCA4 gene, results from a C to T substitution at nucleotide position 3265. The leucine at codon 1089 is replaced by phenylalanine, an amino acid with highly similar properties. This amino acid position is highly conserved in available vertebrate species. In addition, this alteration is predicted to be deleterious by in silico analysis. Based on the available evidence, the clinical significance of this variant remains unclear.

Labcorp Genetics (formerly Invitae), Labcorp
Classification: Uncertain significance for Rhabdoid tumor predisposition syndrome 2. Last evaluated: 2023-10-22. Review status: criteria provided, single submitter. Criteria: Invitae Variant Classification Sherloc (09022015). Collection method: clinical testing. Allele origin: germline.
Comment: This sequence change replaces leucine, which is neutral and non-polar, with phenylalanine, which is neutral and non-polar, at codon 1089 of the SMARCA4 protein (p.Leu1089Phe). This variant is not present in population databases (gnomAD no frequency). This variant has not been reported in the literature in individuals affected with SMARCA4-related conditions. ClinVar contains an entry for this variant (Variation ID: 665338). Advanced modeling of protein sequence and biophysical properties (such as structural, functional, and spatial information, amino acid conservation, physicochemical variation, residue mobility, and thermodynamic stability) performed at Invitae indicates that this missense variant is expected to disrupt SMARCA4 protein function. In summary, the available evidence is currently insufficient to determine the role of this variant in disease. Therefore, it has been classified as a Variant of Uncertain Significance.